The following is an entry in ClinVar:

ClinVar aggregate classification (germline): Uncertain significance (1 of 4 stars; one submission).

gnomAD v4.1: 3 of 1,612,798 alleles (0.00019%); highest among the groups gnomAD compares: Admixed American, 0.0017%; no homozygotes.

Submission:

Labcorp Genetics (formerly Invitae), Labcorp
Classification: Uncertain significance. Last evaluated: 2026-01-16. Review status: criteria provided, single submitter. Criteria: Invitae Variant Classification Sherloc (09022015). Collection method: clinical testing. Allele origin: germline.
Comment: This sequence change replaces proline, which is neutral and non-polar, with serine, which is neutral and polar, at codon 3055 of the HMCN1 protein (p.Pro3055Ser). This variant is not present in population databases (gnomAD no frequency). This variant has not been reported in the literature in individuals affected with HMCN1-related conditions. An algorithm developed to predict the effect of missense changes on protein structure and function (PolyPhen-2) suggests that this variant is likely to be disruptive. In summary, the available evidence is currently insufficient to determine the role of this variant in disease. Therefore, it has been classified as a Variant of Uncertain Significance.

NM_031935.3(HMCN1):c.9163C>T (p.Pro3055Ser)

Gene: HMCN1 (hemicentin 1; plus strand). Cytogenetic location: 1q31.1.
Variant type: single nucleotide variant.
Coding change: c.9163C>T on transcript NM_031935.3 (MANE Select); coding-DNA position 9163, C replaced by T.
Protein change: p.Pro3055Ser; replaces proline 3055 with serine.
Molecular consequence: missense variant.
Genome position (GRCh38, 1-based): chr1:186,087,445, C>T. VCF-style: chr1-186087445-C-T. GRCh37 (hg19) VCF-style: chr1-186056577-C-T.
Other names: short protein forms P3055S.
Identifiers: ClinVar variation 4711535 (VCV004711535.1).